The following is an entry in ClinVar:

ClinVar aggregate classification (germline): Benign/Likely benign. Review status: criteria provided, multiple submitters, no conflicts (2 of 4 stars). 5 submissions from 5 submitters: Benign (3); Likely benign (2). Last evaluated 2025-12-22.

Conditions:
Palmoplantar keratoderma-esophageal carcinoma syndrome (TOC). Also called: PALMOPLANTAR KERATODERMA WITH ESOPHAGEAL CANCER; KERATOSIS PALMARIS ET PLANTARIS WITH ESOPHAGEAL CANCER; Tylosis with Esophageal Cancer. Identifiers: Orphanet 2198, MedGen C1835664, MONDO:0007856, OMIM 148500.

Allele frequency attached by ClinVar (database versions not stated): gnomAD exomes 0.00022 and 0.00063; ExAC 0.00065; 1000 Genomes Project 30x 0.00109; 1000 Genomes Project 0.00140; gnomAD 0.00185 and 0.00202; TOPMed 0.00190; ESP Exome Variant Server 0.00215.
gnomAD v4.1: 624 of 1,613,990 alleles (0.039%); highest among the groups gnomAD compares: African/African-American, 0.51%; no homozygotes.

Submissions (5):

Labcorp Genetics (formerly Invitae), Labcorp
Classification: Benign. Last evaluated: 2025-12-22. Review status: criteria provided, single submitter. Criteria: Invitae Variant Classification Sherloc (09022015). Collection method: clinical testing. Allele origin: germline.

Blueprint Genetics
Classification: Likely benign. Last evaluated: 2024-11-21. Review status: criteria provided, single submitter. Criteria: ACMG Guidelines, 2015. Collection method: clinical testing. Allele origin: germline.

KCCC/NGS Laboratory, Kuwait Cancer Control Center
Classification: Likely benign for Palmoplantar keratoderma-esophageal carcinoma syndrome. Last evaluated: 2023-07-07. Review status: criteria provided, single submitter. Criteria: ACMG Guidelines, 2015. Collection method: clinical testing. Allele origin: germline. Affected: yes.

Illumina Laboratory Services, Illumina
Classification: Benign for Palmoplantar keratoderma-esophageal carcinoma syndrome. Last evaluated: 2018-01-12. Review status: criteria provided, single submitter. Criteria: ICSL Variant Classification Criteria 13 December 2019. Collection method: clinical testing. Allele origin: germline.
Comment: This variant was observed in the ICSL laboratory as part of a predisposition screen in an ostensibly healthy population. It had not been previously curated by ICSL or reported in the Human Gene Mutation Database (HGMD: prior to June 1st, 2018), and was therefore a candidate for classification through an automated scoring system. Utilizing variant allele frequency, disease prevalence and penetrance estimates, and inheritance mode, an automated score was calculated to assess if this variant is too frequent to cause the disease. Based on the score and internal cut-off values, a variant classified as benign is not then subjected to further curation. The score for this variant resulted in a classification of benign for this disease.

Breakthrough Genomics
Classification: Benign. Review status: criteria provided, single submitter. Criteria: ACMG Guidelines, 2015. Collection method: not provided. Allele origin: germline. Inheritance: Autosomal dominant inheritance. Affected: yes.

NM_001005498.4(RHBDF2):c.1599C>T (p.Ser533=)

Gene: RHBDF2 (rhomboid 5 homolog 2; minus strand). Cytogenetic location: 17q25.1.
Variant type: single nucleotide variant.
Coding change: c.1599C>T on transcript NM_001005498.4 (MANE Select); coding-DNA position 1599, C replaced by T.
Protein change: p.Ser533=; no amino-acid change (serine 533 retained).
Molecular consequence: synonymous variant. On other transcripts: non-coding transcript variant (3).
Genome position (GRCh38, 1-based): chr17:76,473,878, G>A on the plus strand (C>T on the coding strand, the complement: RHBDF2 is on the minus strand). VCF-style: chr17-76473878-G-A. GRCh37 (hg19) VCF-style: chr17-74469960-G-A.
Other names: c.1599C>T, p.Ser533= (NM_001376228.1, NM_001376229.1, NM_001376230.1); c.1686C>T, p.Ser562= (NM_024599.5).
Identifiers: ClinVar variation 325434 (VCV000325434.15), dbSNP rs145102618, ClinGen allele CA8786935.
Genomic context (GRCh38, chr17:76,473,878, plus strand): 5'-CTCCCCGCCAGGGACACTCACCGGCCACTTAGTGATGTCATCGGGCCAGATGTGGGCACC[G>A]CTGGAGGCTGGCTCCTCGCAGGTCCTGGAGACAGGGTTCAGATTGGGCTGTGGCACACCC-3'
Protein context (NP_001005498.2, residues 523-543): DPRTCEEPAS[Ser533=]GAHIWPDDIT